The following is an entry in ClinVar:

ClinVar aggregate classification (germline): Pathogenic (1 of 4 stars; one submission).

Conditions:
Tay-Sachs disease (TSD). Also called: HEXA DEFICIENCY; GM2 gangliosidosis, type 1; Hexosaminidase alpha-subunit deficiency (variant B); Sphingolipidosis, Tay-Sachs; Hexosaminidase A Deficiency; HEXA Disorders. Identifiers: Orphanet 845, MedGen C0039373, MONDO:0010100, OMIM 272800.

Submission:

Labcorp Genetics (formerly Invitae), Labcorp
Classification: Pathogenic for Tay-Sachs disease. Last evaluated: 2022-06-08. Review status: criteria provided, single submitter. Criteria: Invitae Variant Classification Sherloc (09022015). Collection method: clinical testing. Allele origin: germline.
Comment: For these reasons, this variant has been classified as Pathogenic. This variant has not been reported in the literature in individuals affected with HEXA-related conditions. This variant is not present in population databases (gnomAD no frequency). This sequence change creates a premature translational stop signal (p.Ser9Phefs*62) in the HEXA gene. It is expected to result in an absent or disrupted protein product. Loss-of-function variants in HEXA are known to be pathogenic (PMID: 1833974, 8490625).

Literature cited by the submitters: PubMed 1833974; PubMed 8490625.

NM_000520.6(HEXA):c.25dup (p.Ser9fs)

Gene: HEXA (hexosaminidase subunit alpha; minus strand). Cytogenetic location: 15q23.
Variant type: Duplication.
Coding change: c.25dup on transcript NM_000520.6 (MANE Select); coding-DNA position 25, one base duplicated (T; older notation c.25dupT).
Protein change: p.Ser9fs; shifts the reading frame from serine 9.
Molecular consequence: frameshift variant. On other transcripts: non-coding transcript variant (1).
Genome position (GRCh38, 1-based): chr15:72,375,948, A duplicated on the plus strand (T on the coding strand, the reverse complement: HEXA is on the minus strand); the first of 4 consecutive A bases (chr15:72,375,948-72,375,951); duplicating any one gives the same sequence. VCF-style (leftmost placement, unchanged base first): chr15-72375947-G-GA. GRCh37 (hg19) VCF-style: chr15-72668288-G-GA.
Other names: c.25dup, p.Ser9fs (NM_001318825.2); short protein forms S9fs.
Identifiers: ClinVar variation 2003511 (VCV002003511.4), dbSNP rs1057517348, ClinGen allele CA2580089948.